The following is an entry in ClinVar:

ClinVar aggregate classification (germline): Uncertain significance (1 of 4 stars; one submission).

Conditions:
Ullrich congenital muscular dystrophy 2 (UCMD2). Identifiers: Orphanet 75840, MedGen C4225314, MONDO:0014654, OMIM 616470.
Bethlem myopathy 2 (BTHLM2). Identifiers: Orphanet 536516, Orphanet 610, MedGen C4225313, MONDO:0034022, OMIM 616471.

Allele frequency attached by ClinVar (database versions not stated): ExAC 0.00001.

Submission:

Labcorp Genetics (formerly Invitae), Labcorp
Classification: Uncertain significance for Bethlem myopathy 2; Ullrich congenital muscular dystrophy 2. Last evaluated: 2023-02-26. Review status: criteria provided, single submitter. Criteria: Invitae Variant Classification Sherloc (09022015). Collection method: clinical testing. Allele origin: germline.
Comment: In summary, the available evidence is currently insufficient to determine the role of this variant in disease. Therefore, it has been classified as a Variant of Uncertain Significance. Advanced modeling of protein sequence and biophysical properties (such as structural, functional, and spatial information, amino acid conservation, physicochemical variation, residue mobility, and thermodynamic stability) performed at Invitae indicates that this missense variant is not expected to disrupt COL12A1 protein function. This variant has not been reported in the literature in individuals affected with COL12A1-related conditions. This variant is present in population databases (rs766137469, gnomAD 0.006%). This sequence change replaces aspartic acid, which is acidic and polar, with glycine, which is neutral and non-polar, at codon 2265 of the COL12A1 protein (p.Asp2265Gly).

NM_004370.6(COL12A1):c.6794A>G (p.Asp2265Gly)

Gene: COL12A1 (collagen type XII alpha 1 chain; minus strand). Cytogenetic location: 6q13.
Variant type: single nucleotide variant.
Coding change: c.6794A>G on transcript NM_004370.6 (MANE Select); coding-DNA position 6794, A replaced by G.
Protein change: p.Asp2265Gly; replaces aspartic acid 2265 with glycine.
Molecular consequence: missense variant.
Genome position (GRCh38, 1-based): chr6:75,124,025, T>C on the plus strand (A>G on the coding strand, the complement: COL12A1 is on the minus strand). VCF-style: chr6-75124025-T-C. GRCh37 (hg19) VCF-style: chr6-75833741-T-C.
Other names: c.6794A>G, p.Asp2265Gly (NM_001424113.1); c.6773A>G, p.Asp2258Gly (NM_001424114.1); c.6521A>G, p.Asp2174Gly (NM_001424115.1); c.3302A>G, p.Asp1101Gly (NM_001424116.1, NM_080645.3); short protein forms D2174G, D2258G, D1101G, D2265G.
Identifiers: ClinVar variation 2944739 (VCV002944739.3), dbSNP rs766137469, ClinGen allele CA3892722.
Genomic context (GRCh38, chr6:75,124,025, plus strand): 5'-GAGACTCCTGGTCCCTCGAGATTTGGTGTCTGCACAAAAACAGTGACACCATAATCAGTG[T>C]CTGGTGAAAGGCCAGTGAAGCAGTGACTGGTTTCTGATCCACGCACTGTAATTTCTTGTC-3'
Protein context (NP_004361.3, residues 2255-2275): TSHCFTGLSP[Asp2265Gly]TDYGVTVFVQ